The following is an entry in ClinVar:

ClinVar aggregate classification (germline): Pathogenic (1 of 4 stars; one submission).

Submission:

Labcorp Genetics (formerly Invitae), Labcorp
Classification: Pathogenic. Last evaluated: 2025-04-10. Review status: criteria provided, single submitter. Criteria: Invitae Variant Classification Sherloc (09022015). Collection method: clinical testing. Allele origin: germline.
Comment: This sequence change creates a premature translational stop signal (p.Glu219Argfs*41) in the IFT81 gene. It is expected to result in an absent or disrupted protein product. Loss-of-function variants in IFT81 are known to be pathogenic (PMID: 26275418, 27666822). This variant is present in population databases (rs781305122, gnomAD 0.0009%). This variant has not been reported in the literature in individuals affected with IFT81-related conditions. For these reasons, this variant has been classified as Pathogenic.

Literature cited by the submitters: PubMed 26275418; PubMed 27666822.

NM_014055.4(IFT81):c.655_656del (p.Glu219fs)

Gene: IFT81 (intraflagellar transport 81; plus strand). Cytogenetic location: 12q24.11.
Variant type: Microsatellite.
Coding change: c.655_656del on transcript NM_014055.4 (MANE Select); coding-DNA positions 655 to 656, 2 bases deleted (GA; older notation c.655_656delGA).
Protein change: p.Glu219fs; shifts the reading frame from glutamic acid 219.
Molecular consequence: frameshift variant. On other transcripts: 5 prime UTR variant (2), non-coding transcript variant (4).
Genome position (GRCh38, 1-based): chr12:110,135,396-110,135,397, GA deleted; deleting any 2 consecutive bases within chr12:110,135,389-110,135,397 gives the same sequence; the c. name uses the placement nearest the transcript's 3' end. VCF-style (leftmost placement, unchanged base first): chr12-110135388-AAG-A. GRCh37 (hg19) VCF-style: chr12-110573193-AAG-A.
Other names: c.655_656del, p.Glu219fs (NM_001143779.2, NM_001347946.2, NM_031473.4); c.-118GA[3] (NM_001347947.2, NM_001347948.2); short protein forms E219fs.
Identifiers: ClinVar variation 2957720 (VCV002957720.3), dbSNP rs748009402, ClinGen allele CA6783144.